The following is an entry in ClinVar:

ClinVar aggregate classification (germline): Benign/Likely benign. Review status: criteria provided, multiple submitters, no conflicts (2 of 4 stars). 4 submissions from 4 submitters: Benign (2); Likely benign (1). 1 of the submissions does not count toward it. Last evaluated 2023-03-01.

Conditions:
MYT1-related disorder. Also called: MYT1-related condition.

Allele frequency attached by ClinVar (database versions not stated): TOPMed 0.00673; 1000 Genomes Project 30x 0.00687; 1000 Genomes Project 0.00719; ESP Exome Variant Server 0.00746; gnomAD exomes 0.00779 and 0.00972; ExAC 0.00901; gnomAD 0.01059 and 0.01105.
gnomAD v4.1: 12,887 of 1,613,156 alleles (0.8%); highest among the groups gnomAD compares: African/African-American, 1%; 112 homozygotes.

Submissions (4):

CeGaT Center for Human Genetics Tuebingen
Classification: Likely benign. Last evaluated: 2023-03-01. Review status: criteria provided, single submitter. Criteria: CeGaT Center For Human Genetics Tuebingen Variant Classification Criteria Version 2. Collection method: clinical testing. Allele origin: germline. Affected: yes. Observed: 2 variant alleles.
Comment: MYT1: BP4, BP7, BS2

Labcorp Genetics (formerly Invitae), Labcorp
Classification: Benign. Last evaluated: 2019-12-31. Review status: criteria provided, single submitter. Criteria: Invitae Variant Classification Sherloc (09022015). Collection method: clinical testing. Allele origin: germline.

Breakthrough Genomics
Classification: Benign. Review status: criteria provided, single submitter. Criteria: ACMG Guidelines, 2015. Collection method: not provided. Allele origin: germline. Inheritance: Unknown mechanism. Affected: yes.

PreventionGenetics, part of Exact Sciences
Classification: Benign for MYT1-related condition. Last evaluated: 2019-06-10. Review status: no assertion criteria provided. Collection method: clinical testing. Allele origin: germline. Not counted in ClinVar's aggregate classification.
Comment: This variant is classified as benign based on ACMG/AMP sequence variant interpretation guidelines (Richards et al. 2015 PMID: 25741868, with internal and published modifications).

NM_004535.3(MYT1):c.2760C>T (p.Ala920=)

Gene: MYT1 (myelin transcription factor 1; plus strand). Cytogenetic location: 20q13.33.
Variant type: single nucleotide variant.
Coding change: c.2760C>T on transcript NM_004535.3 (MANE Select); coding-DNA position 2760, C replaced by T.
Protein change: p.Ala920=; no amino-acid change (alanine 920 retained).
Molecular consequence: synonymous variant.
Genome position (GRCh38, 1-based): chr20:64,232,248, C>T. VCF-style: chr20-64232248-C-T. GRCh37 (hg19) VCF-style: chr20-62863601-C-T.
Identifiers: ClinVar variation 715432 (VCV000715432.30), dbSNP rs142974950, ClinGen allele CA9975323.
Genomic context (GRCh38, chr20:64,232,248, plus strand): 5'-GCTCGGTCACATCAGCGGGAAATACGCCTCTCACAGGAGCGCATCCGGCTGCCCACTGGC[C>T]GCCCGCAGGCAGAAGGAAGGGTCCCTCAATGGCTCGTCATTCTCCTGGAAGTCCCTGAAG-3'
Protein context (NP_004526.1, residues 910-930): SHRSASGCPL[Ala920=]ARRQKEGSLN